The following is an entry in ClinVar:

ClinVar aggregate classification (germline): Uncertain significance. Review status: criteria provided, multiple submitters, no conflicts (2 of 4 stars). 2 submissions from 2 submitters: Uncertain significance (2). Last evaluated 2025-04-16.

Conditions:
Autosomal recessive inherited pseudoxanthoma elasticum (PXE). Identifiers: Orphanet 758, MedGen CN032334, MONDO:0009925, OMIM 264800.
Pseudoxanthoma elasticum, forme fruste. Also called: Pseudoxanthoma Elasticum, Incomplete; PSEUDOXANTHOMA ELASTICUM, HETEROZYGOUS. Identifiers: Orphanet 758, MedGen C1867450, MONDO:0008333, OMIM 177850.
Arterial calcification, generalized, of infancy, 2. Identifiers: Orphanet 51608, MedGen C3276161, MONDO:0013768, OMIM 614473.

Allele frequency attached by ClinVar (database versions not stated): gnomAD exomes below 0.00001 and 0.00001; TOPMed below 0.00001; ExAC 0.00001; gnomAD 0.00001.
gnomAD v4.1: 8 of 1,613,772 alleles (0.0005%); highest among the groups gnomAD compares: Middle Eastern, 0.016%; no homozygotes.

Submissions (2):

Labcorp Genetics (formerly Invitae), Labcorp
Classification: Uncertain significance. Last evaluated: 2025-04-16. Review status: criteria provided, single submitter. Criteria: Invitae Variant Classification Sherloc (09022015). Collection method: clinical testing. Allele origin: germline.
Comment: This sequence change replaces glycine, which is neutral and non-polar, with valine, which is neutral and non-polar, at codon 799 of the ABCC6 protein (p.Gly799Val). This variant is present in population databases (rs775412517, gnomAD 0.0009%). This variant has not been reported in the literature in individuals affected with ABCC6-related conditions. ClinVar contains an entry for this variant (Variation ID: 1056513). Invitae Evidence Modeling of protein sequence and biophysical properties (such as structural, functional, and spatial information, amino acid conservation, physicochemical variation, residue mobility, and thermodynamic stability) indicates that this missense variant is not expected to disrupt ABCC6 protein function with a negative predictive value of 95%. In summary, the available evidence is currently insufficient to determine the role of this variant in disease. Therefore, it has been classified as a Variant of Uncertain Significance.

Fulgent Genetics
Classification: Uncertain significance for Pseudoxanthoma elasticum, forme fruste; Autosomal recessive inherited pseudoxanthoma elasticum; Arterial calcification, generalized, of infancy, 2. Last evaluated: 2024-02-19. Review status: criteria provided, single submitter. Criteria: ACMG Guidelines, 2015. Collection method: clinical testing. Allele origin: germline.

NM_001171.6(ABCC6):c.2396G>T (p.Gly799Val)

Gene: ABCC6 (ATP binding cassette subfamily C member 6; minus strand). Cytogenetic location: 16p13.11.
Variant type: single nucleotide variant.
Coding change: c.2396G>T on transcript NM_001171.6 (MANE Select); coding-DNA position 2396, G replaced by T.
Protein change: p.Gly799Val; replaces glycine 799 with valine.
Molecular consequence: missense variant. On other transcripts: non-coding transcript variant (1).
Genome position (GRCh38, 1-based): chr16:16,178,817, C>A on the plus strand (G>T on the coding strand, the complement: ABCC6 is on the minus strand). VCF-style: chr16-16178817-C-A. GRCh37 (hg19) VCF-style: chr16-16272674-C-A.
Other names: c.2054G>T, p.Gly685Val (NM_001351800.1); short protein forms G685V, G799V.
Identifiers: ClinVar variation 1056513 (VCV001056513.6), dbSNP rs775412517, ClinGen allele CA7925943.
Genomic context (GRCh38, chr16:16,178,817, plus strand): 5'-GCCTTTGCCCTGTACTGTCTGACACATGTTCCCAAACTTACTGTTCCCTGGAGTAGTCCA[C>A]CAGGCCCAATGACCTGGTTGAAGACATGCTGGCCAACGTGGGCATCCAGGGCCGCCAGGG-3'
Protein context (NP_001162.5, residues 789-809): QHVFNQVIGP[Gly799Val]GLLQGTTRIL